The following is an entry in ClinVar:

ClinVar aggregate classification (germline): Uncertain significance. Review status: criteria provided, multiple submitters, no conflicts (2 of 4 stars). 4 submissions from 4 submitters: Uncertain significance (4). Last evaluated 2025-06-03.

Conditions:
Inborn genetic diseases. Identifiers: MedGen C0950123, MeSH D030342.
Chédiak-Higashi syndrome (CHS). Also called: Chediak-Higashi Syndrome. Identifiers: Orphanet 167, MedGen C0007965, MONDO:0008963, OMIM 214500.

Allele frequency attached by ClinVar (database versions not stated): gnomAD 0.00003 and 0.00004.
gnomAD v4.1: 63 of 1,612,812 alleles (0.0039%); highest among the groups gnomAD compares: Non-Finnish European, 0.0051%; no homozygotes.

Submissions (4):

Labcorp Genetics (formerly Invitae), Labcorp
Classification: Uncertain significance for Chédiak-Higashi syndrome. Last evaluated: 2025-06-03. Review status: criteria provided, single submitter. Criteria: Invitae Variant Classification Sherloc (09022015). Collection method: clinical testing. Allele origin: germline.
Comment: This sequence change replaces glycine, which is neutral and non-polar, with glutamic acid, which is acidic and polar, at codon 2062 of the LYST protein (p.Gly2062Glu). This variant is present in population databases (rs756651685, gnomAD 0.002%). This variant has not been reported in the literature in individuals affected with LYST-related conditions. ClinVar contains an entry for this variant (Variation ID: 625976). Invitae Evidence Modeling of protein sequence and biophysical properties (such as structural, functional, and spatial information, amino acid conservation, physicochemical variation, residue mobility, and thermodynamic stability) indicates that this missense variant is not expected to disrupt LYST protein function with a negative predictive value of 80%. In summary, the available evidence is currently insufficient to determine the role of this variant in disease. Therefore, it has been classified as a Variant of Uncertain Significance.

Ambry Genetics
Classification: Uncertain significance for Inborn genetic diseases. Last evaluated: 2022-11-21. Review status: criteria provided, single submitter. Criteria: Ambry Variant Classification Scheme 2023. Collection method: clinical testing. Allele origin: germline.

Mayo Clinic Laboratories, Mayo Clinic
Classification: Uncertain significance. Last evaluated: 2021-04-05. Review status: criteria provided, single submitter. Criteria: ACMG Guidelines, 2015. Collection method: clinical testing. Allele origin: germline.

Center for Genomics, Ann and Robert H. Lurie Children's Hospital of Chicago
Classification: Uncertain significance for Chédiak-Higashi syndrome. Last evaluated: 2021-03-30. Review status: criteria provided, single submitter. Criteria: ACMG Guidelines, 2015. Collection method: clinical testing. Allele origin: germline.
Comment: LYST NM_000081.3 exon 22 p.Gly2062Glu (c.6185G>A): This variant has not been reported in the literature but is present in 2/111072 European alleles in the Genome Aggregation Database. Evolutionary conservation and computational predictive tools for this variant are unclear. In summary, data on this variant is insufficient for disease classification. Therefore, the clinical significance of this variant is uncertain.

NM_000081.4(LYST):c.6185G>A (p.Gly2062Glu)

Gene: LYST (lysosomal trafficking regulator; minus strand). Cytogenetic location: 1q42.3.
Variant type: single nucleotide variant.
Coding change: c.6185G>A on transcript NM_000081.4 (MANE Select); coding-DNA position 6185, G replaced by A.
Protein change: p.Gly2062Glu; replaces glycine 2062 with glutamic acid.
Molecular consequence: missense variant.
Genome position (GRCh38, 1-based): chr1:235,762,788, C>T on the plus strand (G>A on the coding strand, the complement: LYST is on the minus strand). VCF-style: chr1-235762788-C-T. GRCh37 (hg19) VCF-style: chr1-235926088-C-T.
Other names: p.Gly2062Glu; c.6185G>A, p.Gly2062Glu (NM_001301365.1); c.6185G>A (NM_000081.2); short protein forms G2062E.
Identifiers: ClinVar variation 625976 (VCV000625976.13), dbSNP rs756651685, ClinGen allele CA1466427.
Genomic context (GRCh38, chr1:235,762,788, plus strand): 5'-GGTGAAGCAGTAAAACCAGATGGGCTTATTACCATAAATCCAGGGCTCATAAGGGACCTT[C>T]CTCCACTGCTGGAATGCCTCAGGTACATGATTGACCGCACTTTCTCCTGAAAGATCTTGC-3'
Protein context (NP_000072.2, residues 2052-2072): IMYLRHSSSG[Gly2062Glu]RSLMSPGFMV